The following is an entry in ClinVar:

NM_022725.4(FANCF):c.434T>C (p.Met145Thr)

Gene: FANCF (FA complementation group F; minus strand). Cytogenetic location: 11p14.3.
Variant type: single nucleotide variant.
Coding change: c.434T>C on transcript NM_022725.4 (MANE Select); coding-DNA position 434, T replaced by C.
Protein change: p.Met145Thr; replaces methionine 145 with threonine.
Molecular consequence: missense variant.
Genome position (GRCh38, 1-based): chr11:22,625,377, A>G on the plus strand (T>C on the coding strand, the complement: FANCF is on the minus strand). VCF-style: chr11-22625377-A-G. GRCh37 (hg19) VCF-style: chr11-22646923-A-G.
Other names: short protein forms M145T.
Identifiers: ClinVar variation 3693827 (VCV003693827.2).
Genomic context (GRCh38, chr11:22,625,377, plus strand): 5'-GTCTTCATCAGAGAGTCCTCCTGGAGATTTGGGTTCTCTCTATAGCCATTGAAGCGCAGC[A>G]TGTGCACCGCAGACCGCCGGCGGGCAAGGCGGGCCAGGCTCTCTTGGAGTGTCTCCTCAT-3'
Protein context (NP_073562.1, residues 135-155): RLARRRSAVH[Met145Thr]LRFNGYRENP

ClinVar aggregate classification (germline): Uncertain significance (1 of 4 stars; one submission).

Conditions:
Fanconi anemia (FA). Also called: Fanconi's anemia. Identifiers: Orphanet 84, MedGen C0015625, MeSH D005199, MONDO:0019391.

Submission:

Labcorp Genetics (formerly Invitae), Labcorp
Classification: Uncertain significance for Fanconi anemia. Last evaluated: 2024-11-11. Review status: criteria provided, single submitter. Criteria: Invitae Variant Classification Sherloc (09022015). Collection method: clinical testing. Allele origin: germline.
Comment: This sequence change replaces methionine, which is neutral and non-polar, with threonine, which is neutral and polar, at codon 145 of the FANCF protein (p.Met145Thr). This variant is not present in population databases (gnomAD no frequency). This variant has not been reported in the literature in individuals affected with FANCF-related conditions. Invitae Evidence Modeling of protein sequence and biophysical properties (such as structural, functional, and spatial information, amino acid conservation, physicochemical variation, residue mobility, and thermodynamic stability) has been performed for this missense variant. However, the output from this modeling did not meet the statistical confidence thresholds required to predict the impact of this variant on FANCF protein function. In summary, the available evidence is currently insufficient to determine the role of this variant in disease. Therefore, it has been classified as a Variant of Uncertain Significance.